The following is an entry in ClinVar:

NM_000179.3(MSH6):c.3495C>T (p.Cys1165=)

Gene: MSH6 (mutS homolog 6; plus strand). Cytogenetic location: 2p16.3.
Variant type: single nucleotide variant.
Coding change: c.3495C>T on transcript NM_000179.3 (MANE Select); coding-DNA position 3495, C replaced by T.
Protein change: p.Cys1165=; no amino-acid change (cysteine 1165 retained).
Molecular consequence: synonymous variant.
Genome position (GRCh38, 1-based): chr2:47,804,966, C>T. VCF-style: chr2-47804966-C-T. GRCh37 (hg19) VCF-style: chr2-48032105-C-T.
Other names: c.3105C>T, p.Cys1035= (NM_001281492.2); c.2589C>T, p.Cys863= (NM_001281493.2, NM_001281494.2).
Identifiers: ClinVar variation 479900 (VCV000479900.14), dbSNP rs780099145, ClinGen allele CA071051.

ClinVar aggregate classification (germline): Benign/Likely benign. Review status: criteria provided, multiple submitters, no conflicts (2 of 4 stars). 3 submissions from 3 submitters: Benign (1); Likely benign (2). Last evaluated 2025-09-10.

Conditions:
Lynch syndrome 5 (LYNCH5). Also called: Colorectal cancer, hereditary nonpolyposis, type 5; Hereditary non-polyposis colorectal cancer, type 5. Identifiers: Orphanet 144, MedGen C1833477, MONDO:0013710, OMIM 614350. Disease mechanism: loss of function.
Hereditary cancer-predisposing syndrome. Also called: Hereditary Cancer Syndrome; Neoplastic Syndromes, Hereditary; Tumor predisposition; Hereditary neoplastic syndrome. Identifiers: Orphanet 140162, MedGen C0027672, MeSH D009386, MONDO:0015356.
Hereditary nonpolyposis colorectal neoplasms. Identifiers: MedGen C0009405, MeSH D003123.

Allele frequency attached by ClinVar (database versions not stated): gnomAD exomes below 0.00001; ExAC 0.00001.
gnomAD v4.1: 1 of 1,614,124 alleles (0.000062%); highest among the groups gnomAD compares: Non-Finnish European, 0.000085%; no homozygotes.

Submissions (3):

Labcorp Genetics (formerly Invitae), Labcorp
Classification: Likely benign for Hereditary nonpolyposis colorectal neoplasms. Last evaluated: 2025-09-10. Review status: criteria provided, single submitter. Criteria: Invitae Variant Classification Sherloc (09022015). Collection method: clinical testing. Allele origin: germline.

Myriad Genetics, Inc.
Classification: Benign for Lynch syndrome 5. Last evaluated: 2025-01-07. Review status: criteria provided, single submitter. Criteria: Myriad Autosomal Dominant, Autosomal Recessive and X-Linked Classification Criteria (2023). Collection method: clinical testing. Allele origin: unknown.
Comment: This variant is considered benign. This variant is a silent/synonymous amino acid change and it is not expected to impact splicing.

Ambry Genetics
Classification: Likely benign for Hereditary cancer-predisposing syndrome. Last evaluated: 2016-03-28. Review status: criteria provided, single submitter. Criteria: Ambry Variant Classification Scheme 2023. Collection method: clinical testing. Allele origin: germline.